The following is an entry in ClinVar:

ClinVar aggregate classification (germline): Likely pathogenic. Review status: criteria provided, multiple submitters, no conflicts (2 of 4 stars). 3 submissions from 3 submitters: Likely pathogenic (3). Last evaluated 2026-04-14.

Conditions:
Familial intrahepatic cholestasis. Identifiers: Orphanet 284385, MedGen CN296401, MONDO:0017290.
Progressive familial intrahepatic cholestasis type 2. Identifiers: Orphanet 79304, MedGen C3489789, MONDO:0011156, OMIM 601847.

Allele frequency attached by ClinVar (database versions not stated): ExAC 0.00001; TOPMed 0.00001; gnomAD exomes 0.00002.

Submissions (3):

Genomenon, Inc
Classification: Likely pathogenic for Familial intrahepatic cholestasis. Last evaluated: 2026-04-14. Review status: criteria provided, single submitter. Criteria: Genomenon Sequence Variant Interpretation Standards - Updated. Collection method: curation. Allele origin: germline. Affected: yes.
Comment: ABCB11 p.Cys107Arg (c.319T>C) is a missense variant that changes the amino acid at residue 107 from Cysteine to Arginine. This variant has been observed in at least one proband with an ABCB11-related disorder (PMID:32808743;32087350;19845854;21490445). It has been observed in trans with a pathogenic or likely pathogenic variant (PMID:19845854). It is absent or not present at a significant frequency in gnomAD. In silico models predict that this variant is possibly or probably damaging. In conclusion, we classify ABCB11 p.Cys107Arg (c.319T>C) as a likely pathogenic variant.

Natera, Inc.
Classification: Likely pathogenic for Progressive familial intrahepatic cholestasis type 2. Last evaluated: 2025-05-15. Review status: criteria provided, single submitter. Criteria: Natera Variant Classification Schema (03/2026). Collection method: clinical testing. Allele origin: germline.
Comment: The c.319T>C variant in ABCB11 is a missense variant predicted to cause substitution of cysteine to arginine at amino acid 107. This variant is rare in the general population with a frequency below the threshold expected for the associated phenotype(s). This variant has been observed in one or more individuals affected with the associated recessive disease, as either homozygous or compound heterozygous with a second variant (PMID: 19845854, 32808743, 32087350). Computational prediction algorithms indicate this variant is likely to affect gene or protein function. Given the available evidence, this variant is classified as Likely Pathogenic.

Labcorp Genetics (formerly Invitae), Labcorp
Classification: Likely pathogenic. Last evaluated: 2023-11-20. Review status: criteria provided, single submitter. Criteria: Invitae Variant Classification Sherloc (09022015). Collection method: clinical testing. Allele origin: germline.
Comment: This sequence change replaces cysteine, which is neutral and slightly polar, with arginine, which is basic and polar, at codon 107 of the ABCB11 protein (p.Cys107Arg). This variant is present in population databases (rs781013887, gnomAD 0.0009%). This missense change has been observed in individual(s) with cholestasis (PMID: 19845854, 21490445, 32808743). In at least one individual the data is consistent with being in trans (on the opposite chromosome) from a pathogenic variant. Advanced modeling of protein sequence and biophysical properties (such as structural, functional, and spatial information, amino acid conservation, physicochemical variation, residue mobility, and thermodynamic stability) has been performed at Invitae for this missense variant, however the output from this modeling did not meet the statistical confidence thresholds required to predict the impact of this variant on ABCB11 protein function. In summary, the currently available evidence indicates that the variant is pathogenic, but additional data are needed to prove that conclusively. Therefore, this variant has been classified as Likely Pathogenic.

Literature cited by the submitters: PubMed 32808743 (cited by 3 submitters); PubMed 32087350 (cited by Genomenon, Inc and Natera, Inc.); PubMed 19845854 (cited by 3 submitters); PubMed 21490445 (cited by Genomenon, Inc and Labcorp Genetics (formerly Invitae), Labcorp).

NM_003742.4(ABCB11):c.319T>C (p.Cys107Arg)

Gene: ABCB11 (ATP binding cassette subfamily B member 11; minus strand). Cytogenetic location: 2q31.1.
Variant type: single nucleotide variant.
Coding change: c.319T>C on transcript NM_003742.4 (MANE Select); coding-DNA position 319, T replaced by C.
Protein change: p.Cys107Arg; replaces cysteine 107 with arginine.
Molecular consequence: missense variant.
Genome position (GRCh38, 1-based): chr2:169,013,342, A>G on the plus strand (T>C on the coding strand, the complement: ABCB11 is on the minus strand). VCF-style: chr2-169013342-A-G. GRCh37 (hg19) VCF-style: chr2-169869852-A-G.
Other names: short protein forms C107R.
Identifiers: ClinVar variation 2734331 (VCV002734331.5), dbSNP rs781013887, ClinGen allele CA1951922.
Genomic context (GRCh38, chr2:169,013,342, plus strand): 5'-TTCCATTTGTCATGTTCTGGTTGAGGGAACTGTTAGTCCATACAATGGTGTTATTCACAC[A>G]TGCTTTTCCTGGAATCTGGAGTTCTTGTAACTCAACGTCGTAGTCAATAAAAACATCTGT-3'
Protein context (NP_003733.2, residues 97-117): LQELQIPGKA[Cys107Arg]VNNTIVWTNS